The following is an entry in ClinVar:

ClinVar aggregate classification (germline): Uncertain significance (1 of 4 stars; one submission).

Conditions:
Dyskeratosis congenita, autosomal dominant 6 (DKCA6). Identifiers: Orphanet 3322, MedGen C4225284, MONDO:0014690, OMIM 616553.

Submission:

Labcorp Genetics (formerly Invitae), Labcorp
Classification: Uncertain significance for Dyskeratosis congenita, autosomal dominant 6. Last evaluated: 2024-02-24. Review status: criteria provided, single submitter. Criteria: Invitae Variant Classification Sherloc (09022015). Collection method: clinical testing. Allele origin: germline.
Comment: This sequence change affects an acceptor splice site in intron 9 of the ACD gene. It is expected to disrupt RNA splicing. Variants that disrupt the donor or acceptor splice site typically lead to a loss of protein function (PMID: 16199547), however the current clinical and genetic evidence is not sufficient to establish whether loss-of-function variants in ACD cause disease. This variant is not present in population databases (gnomAD no frequency). This variant has not been reported in the literature in individuals affected with ACD-related conditions. ClinVar contains an entry for this variant (Variation ID: 665605). Algorithms developed to predict the effect of sequence changes on RNA splicing suggest that this variant may disrupt the consensus splice site. In summary, the available evidence is currently insufficient to determine the role of this variant in disease. Therefore, it has been classified as a Variant of Uncertain Significance.

Literature cited by the submitters: PubMed 16199547.

NM_001082486.2(ACD):c.830-1G>A

Gene: ACD (ACD shelterin complex subunit and telomerase recruitment factor; minus strand). Cytogenetic location: 16q22.1.
Variant type: single nucleotide variant.
Coding change: c.830-1G>A on transcript NM_001082486.2 (MANE Select); the canonical splice acceptor site of the intron before coding-DNA position 830, G replaced by A.
Molecular consequence: splice acceptor variant.
Genome position (GRCh38, 1-based): chr16:67,658,363, C>T on the plus strand (G>A on the coding strand, the complement: ACD is on the minus strand). VCF-style: chr16-67658363-C-T. GRCh37 (hg19) VCF-style: chr16-67692266-C-T.
Other names: c.821-1G>A (NM_022914.3); c.743-1G>A (NM_001410884.1).
Identifiers: ClinVar variation 665605 (VCV000665605.7), dbSNP rs1597769397, ClinGen allele CA396353068.